The following is an entry in ClinVar:

NM_003482.4(KMT2D):c.7953A>C (p.Gly2651=)

Gene: KMT2D (lysine methyltransferase 2D; minus strand). Cytogenetic location: 12q13.12.
Variant type: single nucleotide variant.
Coding change: c.7953A>C on transcript NM_003482.4 (MANE Select); coding-DNA position 7953, A replaced by C.
Protein change: p.Gly2651=; no amino-acid change (glycine 2651 retained).
Molecular consequence: synonymous variant.
Genome position (GRCh38, 1-based): chr12:49,039,817, T>G on the plus strand (A>C on the coding strand, the complement: KMT2D is on the minus strand). VCF-style: chr12-49039817-T-G. GRCh37 (hg19) VCF-style: chr12-49433600-T-G.
Identifiers: ClinVar variation 734084 (VCV000734084.15), dbSNP rs752246275, ClinGen allele CA6546965.

ClinVar aggregate classification (germline): Likely benign. Review status: criteria provided, multiple submitters, no conflicts (2 of 4 stars). 2 submissions from 2 submitters: Likely benign (2). Last evaluated 2025-12-01.

Conditions:
Kabuki syndrome. Also called: Kabuki make-up syndrome; NIIKAWA-KUROKI SYNDROME. Identifiers: Orphanet 2322, MedGen C0796004, MONDO:0016512.

Allele frequency attached by ClinVar (database versions not stated): ExAC 0.00001; gnomAD exomes 0.00002 and 0.00003; TOPMed 0.00002; gnomAD 0.00003 and 0.00004.

Submissions (2):

CeGaT Center for Human Genetics Tuebingen
Classification: Likely benign. Last evaluated: 2025-12-01. Review status: criteria provided, single submitter. Criteria: CeGaT Center For Human Genetics Tuebingen Variant Classification Criteria Version 2. Collection method: clinical testing. Allele origin: germline. Affected: yes. Observed: 2 variant alleles.
Comment: KMT2D: BP4, BP7

Labcorp Genetics (formerly Invitae), Labcorp
Classification: Likely benign for Kabuki syndrome. Last evaluated: 2025-11-01. Review status: criteria provided, single submitter. Criteria: Invitae Variant Classification Sherloc (09022015). Collection method: clinical testing. Allele origin: germline.